The following is an entry in ClinVar:

NM_001303256.3(MORC2):c.683C>T (p.Thr228Met)

Gene: MORC2 (MORC family CW-type zinc finger 2; minus strand). Cytogenetic location: 22q12.2.
Variant type: single nucleotide variant.
Coding change: c.683C>T on transcript NM_001303256.3 (MANE Select); coding-DNA position 683, C replaced by T.
Protein change: p.Thr228Met; replaces threonine 228 with methionine.
Molecular consequence: missense variant.
Genome position (GRCh38, 1-based): chr22:30,941,906, G>A on the plus strand (C>T on the coding strand, the complement: MORC2 is on the minus strand). VCF-style: chr22-30941906-G-A. GRCh37 (hg19) VCF-style: chr22-31337893-G-A.
Other names: c.683C>T, p.Thr228Met (NM_001303257.2); c.497C>T, p.Thr166Met (NM_014941.3); short protein forms T166M, T228M.
Identifiers: ClinVar variation 845074 (VCV000845074.11), dbSNP rs774960940, ClinGen allele CA10187197.

ClinVar aggregate classification (germline): Uncertain significance. Review status: criteria provided, multiple submitters, no conflicts (2 of 4 stars). 3 submissions from 3 submitters: Uncertain significance (3). Last evaluated 2025-03-17.

Conditions:
Charcot-Marie-Tooth disease axonal type 2Z. Also called: CHARCOT-MARIE-TOOTH DISEASE, AXONAL, AUTOSOMAL DOMINANT, TYPE 2Z; CHARCOT-MARIE-TOOTH NEUROPATHY, TYPE 2Z. Identifiers: Orphanet 466768, MedGen C5569025, MONDO:0014736, OMIM 616688.
MORC2-related disorder. Also called: MORC2-related condition.
Inborn genetic diseases. Identifiers: MedGen C0950123, MeSH D030342.

Allele frequency attached by ClinVar (database versions not stated): ExAC 0.00002; gnomAD 0.00002; gnomAD exomes 0.00002; TOPMed 0.00002.
gnomAD v4.1: 21 of 1,612,248 alleles (0.0013%); highest among the groups gnomAD compares: East Asian, 0.0067%; no homozygotes.

Submissions (3):

PreventionGenetics, part of Exact Sciences
Classification: Uncertain significance for MORC2-related condition. Last evaluated: 2025-03-17. Review status: criteria provided, single submitter. Criteria: ACMG Guidelines, 2015. Collection method: clinical testing. Allele origin: germline.
Comment: The MORC2 c.683C>T variant is predicted to result in the amino acid substitution p.Thr228Met. To our knowledge, this variant has not been reported in the literature. This variant is reported in 0.0062% of alleles in individuals of African descent in gnomAD. At this time, the clinical significance of this variant is uncertain due to the absence of conclusive functional and genetic evidence.

Labcorp Genetics (formerly Invitae), Labcorp
Classification: Uncertain significance for Charcot-Marie-Tooth disease axonal type 2Z. Last evaluated: 2023-10-28. Review status: criteria provided, single submitter. Criteria: Invitae Variant Classification Sherloc (09022015). Collection method: clinical testing. Allele origin: germline.
Comment: This sequence change replaces threonine, which is neutral and polar, with methionine, which is neutral and non-polar, at codon 228 of the MORC2 protein (p.Thr228Met). This variant is present in population databases (rs774960940, gnomAD 0.007%). This missense change has been observed in individual(s) with clinical features of MORC2-related conditions (Invitae). ClinVar contains an entry for this variant (Variation ID: 845074). Advanced modeling of protein sequence and biophysical properties (such as structural, functional, and spatial information, amino acid conservation, physicochemical variation, residue mobility, and thermodynamic stability) has been performed at Invitae for this missense variant, however the output from this modeling did not meet the statistical confidence thresholds required to predict the impact of this variant on MORC2 protein function. In summary, the available evidence is currently insufficient to determine the role of this variant in disease. Therefore, it has been classified as a Variant of Uncertain Significance.

Ambry Genetics
Classification: Uncertain significance for Inborn genetic diseases. Last evaluated: 2021-11-10. Review status: criteria provided, single submitter. Criteria: Ambry Variant Classification Scheme 2023. Collection method: clinical testing. Allele origin: germline.
Comment: The p.T228M variant (also known as c.683C>T), located in coding exon 8 of the MORC2 gene, results from a C to T substitution at nucleotide position 683. The threonine at codon 228 is replaced by methionine, an amino acid with similar properties. This amino acid position is highly conserved in available vertebrate species. In addition, this alteration is predicted to be tolerated by in silico analysis. Since supporting evidence is limited at this time, the clinical significance of this alteration remains unclear.